The following is an entry in ClinVar:

NM_004415.4(DSP):c.3321C>T (p.Leu1107=)

Gene: DSP (desmoplakin; plus strand). Cytogenetic location: 6p24.3.
Variant type: single nucleotide variant.
Coding change: c.3321C>T on transcript NM_004415.4 (MANE Select); coding-DNA position 3321, C replaced by T.
Protein change: p.Leu1107=; no amino-acid change (leucine 1107 retained).
Molecular consequence: synonymous variant.
Genome position (GRCh38, 1-based): chr6:7,579,511, C>T. VCF-style: chr6-7579511-C-T. GRCh37 (hg19) VCF-style: chr6-7579744-C-T.
Other names: c.3321C>T, p.Leu1107= (NM_001008844.3, NM_001319034.2).
Identifiers: ClinVar variation 2925820 (VCV002925820.4), dbSNP rs2533923065, ClinGen allele CA448714401.

ClinVar aggregate classification (germline): Likely benign. Review status: criteria provided, multiple submitters, no conflicts (2 of 4 stars). 2 submissions from 2 submitters: Likely benign (2). Last evaluated 2023-12-13.

Conditions:
Arrhythmogenic right ventricular dysplasia 8 (ARVD8). Also called: Arrhythmogenic Right Ventricular Dysplasia/Cardiomyopathy 8; ARRHYTHMOGENIC RIGHT VENTRICULAR DYSPLASIA, FAMILIAL, 8; ARRHYTHMOGENIC RIGHT VENTRICULAR CARDIOMYOPATHY 8. Identifiers: MedGen C1843896, MONDO:0011831, OMIM 607450.
Arrhythmogenic cardiomyopathy with wooly hair and keratoderma. Also called: PALMOPLANTAR KERATODERMA WITH LEFT VENTRICULAR CARDIOMYOPATHY AND WOOLLY HAIR; Carvajal syndrome; Arrhythmogenic cardiomyopathy with woolly hair and keratoderma; Dilated cardiomyopathy with woolly hair and keratoderma. Identifiers: Orphanet 65282, MedGen C1854063, MONDO:0011581, OMIM 605676.

Submissions (2):

All of Us Research Program, National Institutes of Health
Classification: Likely benign for Arrhythmogenic cardiomyopathy with wooly hair and keratoderma. Last evaluated: 2023-12-13. Review status: criteria provided, single submitter. Criteria: ACMG Guidelines, 2015. Collection method: clinical testing. Allele origin: germline. Inheritance: Autosomal dominant inheritance. Observed: 1 variant allele, 1 heterozygote.
Comment: This study involves interpretation of variants in research participants for the purpose of population health screening. Participant phenotype was not available at the time of variant classification. Additional details can be found in publication PMID: 35346344, PMCID: PMC8962531

Labcorp Genetics (formerly Invitae), Labcorp
Classification: Likely benign for Arrhythmogenic cardiomyopathy with wooly hair and keratoderma; Arrhythmogenic right ventricular dysplasia 8. Last evaluated: 2023-06-29. Review status: criteria provided, single submitter. Criteria: Invitae Variant Classification Sherloc (09022015). Collection method: clinical testing. Allele origin: germline.